The following is an entry in ClinVar:

NM_000173.7(GP1BA):c.1074A>G (p.Arg358=)

Gene: GP1BA (glycoprotein Ib platelet subunit alpha; plus strand). Cytogenetic location: 17p13.2.
Variant type: single nucleotide variant.
Coding change: c.1074A>G on transcript NM_000173.7 (MANE Select); coding-DNA position 1074, A replaced by G.
Protein change: p.Arg358=; no amino-acid change (arginine 358 retained).
Molecular consequence: synonymous variant.
Genome position (GRCh38, 1-based): chr17:4,933,678, A>G. VCF-style: chr17-4933678-A-G. GRCh37 (hg19) VCF-style: chr17-4836973-A-G.
Other names: NM_000173.7(GP1BA):c.1074A>G; p.Arg358=.
Identifiers: ClinVar variation 255463 (VCV000255463.9), dbSNP rs6067, ClinGen allele CA8314893.
Genomic context (GRCh38, chr17:4,933,678, plus strand): 5'-GCCCTCCTCCTTGCATCCAACACAAGAATCCACTAAGGAGCAGACCACATTCCCACCTAG[A>G]TGGACCCCAAATTTCACACTTCACATGGAATCCATCACATTCTCCAAAACTCCAAAATCC-3'
Protein context (NP_000164.5, residues 348-368): STKEQTTFPP[Arg358=]WTPNFTLHME

ClinVar aggregate classification (germline): Benign. Review status: reviewed by expert panel (3 of 4 stars). 8 submissions from 8 submitters: Benign (1). 7 of the submissions do not count toward it. Last evaluated 2025-02-11.

Conditions:
Bernard Soulier syndrome (BSS). Also called: Platelet Glycoprotein 1b, Deficiency of; PLATELET GLYCOPROTEIN Ib DEFICIENCY; BLEEDING DISORDER, PLATELET-TYPE, 1; GLYCOPROTEIN Ib, PLATELET, DEFICIENCY OF; VON WILLEBRAND FACTOR RECEPTOR DEFICIENCY; Giant platelet syndrome. Identifiers: Orphanet 274, MedGen C0005129, MeSH D001606, MONDO:0009276, OMIM 231200.

Allele frequency attached by ClinVar (database versions not stated): ESP Exome Variant Server 0.03452; gnomAD 0.04455 and 0.04892; gnomAD exomes 0.04473 and 0.06921; TOPMed 0.05519; ExAC 0.06611; 1000 Genomes Project 30x 0.08526; 1000 Genomes Project 0.08906.
gnomAD v4.1: 73,453 of 1,613,836 alleles (4.6%); highest among the groups gnomAD compares: East Asian, 22%; 2,978 homozygotes.

Submissions (8):

ClinGen Platelet Disorders Variant Curation Expert Panel, ClinGen
Classification: Benign for Bernard Soulier syndrome. Last evaluated: 2025-02-11. Review status: reviewed by expert panel. Criteria: ClinGen Platelet ACMG Specifications GP1BA V1.0.0. Collection method: curation. Allele origin: germline. Inheritance: Autosomal recessive inheritance.
Comment: The synonymous variant NM_000173.7(GP1BA):c.1074A>G (p.Arg358=) is not predicted by SpliceAI to impact splicing (score 0.00; BP4). In addition, it occurs at a nucleotide that is not highly conserved as shown by phyloP score of 0.134386 (BP7). The Grpmax Filtering allele frequency in gnomAD v4.1 is 0.2116 (based on 9653/44866 alleles, including 1018 homozygotes) in the East Asian population, which is higher than the ClinGen PD VCEP threshold (>0.001; BA1). In summary, this variant meets the criteria to be classified as Benign for autosomal recessive Bernard-Soulier syndrome based on the ACMG/AMP criteria applied, as specified by the ClinGen PD VCEP: BA1, BP4, BP7 (ClinGen Platelet Disorders VCEP specifications version 1).

Women's Health and Genetics/Laboratory Corporation of America, LabCorp
Classification: Benign. Last evaluated: 2026-05-11. Review status: criteria provided, single submitter. Criteria: LabCorp Variant Classification Summary - May 2015. Collection method: clinical testing. Allele origin: germline. Not counted in ClinVar's aggregate classification.

Labcorp Genetics (formerly Invitae), Labcorp
Classification: Benign. Last evaluated: 2026-01-31. Review status: criteria provided, single submitter. Criteria: Invitae Variant Classification Sherloc (09022015). Collection method: clinical testing. Allele origin: germline. Not counted in ClinVar's aggregate classification.

Blueprint Genetics
Classification: Likely benign. Last evaluated: 2024-11-27. Review status: criteria provided, single submitter. Criteria: ACMG Guidelines, 2015. Collection method: clinical testing. Allele origin: germline. Not counted in ClinVar's aggregate classification.

Mayo Clinic Laboratories, Mayo Clinic
Classification: Benign. Last evaluated: 2023-06-19. Review status: criteria provided, single submitter. Criteria: ACMG Guidelines, 2015. Collection method: clinical testing. Allele origin: germline. Observed: 134 variant alleles. Not counted in ClinVar's aggregate classification.

GeneDx
Classification: Benign. Last evaluated: 2021-05-05. Review status: criteria provided, single submitter. Criteria: GeneDx Variant Classification Process June 2021. Collection method: clinical testing. Allele origin: germline. Affected: yes. Not counted in ClinVar's aggregate classification.

Breakthrough Genomics
Classification: Benign. Review status: criteria provided, single submitter. Criteria: ACMG Guidelines, 2015. Collection method: not provided. Allele origin: germline. Inheritance: Autosomal recessive inheritance. Affected: yes. Not counted in ClinVar's aggregate classification.

PreventionGenetics, part of Exact Sciences
Classification: Benign. Review status: criteria provided, single submitter. Criteria: ACMG Guidelines, 2015. Collection method: clinical testing. Allele origin: germline. Not counted in ClinVar's aggregate classification.